The following is an entry in ClinVar:

NM_006459.4(ERLIN1):c.713A>T (p.Lys238Ile)

Gene: ERLIN1 (ER lipid raft associated 1; minus strand). Cytogenetic location: 10q24.31.
Variant type: single nucleotide variant.
Coding change: c.713A>T on transcript NM_006459.4 (MANE Select); coding-DNA position 713, A replaced by T.
Protein change: p.Lys238Ile; replaces lysine 238 with isoleucine.
Molecular consequence: missense variant. On other transcripts: non-coding transcript variant (6).
Genome position (GRCh38, 1-based): chr10:100,156,177, T>A on the plus strand (A>T on the coding strand, the complement: ERLIN1 is on the minus strand). VCF-style: chr10-100156177-T-A. GRCh37 (hg19) VCF-style: chr10-101915934-T-A.
Other names: c.713A>T, p.Lys238Ile (NM_001100626.2, NM_001347857.2, NM_001347859.2 and 2 more transcripts); c.461A>T, p.Lys154Ile (NM_001347856.2); c.233A>T, p.Lys78Ile (NM_001347858.2); short protein forms K78I, K154I, K238I.
Identifiers: ClinVar variation 2145507 (VCV002145507.4), dbSNP rs374110373, ClinGen allele CA5646020.
Genomic context (GRCh38, chr10:100,156,177, plus strand): 5'-AGAGCTTCATCCTCTCCCCACAATGTACCTTCGATTTCAGAAATGCGCTTTTCAGTTTCT[T>A]TTTCCATCACTTTCTGCTGAAACCGAATTTTTGCCACTTGTGCAATCTTCTCTGCTTCTA-3'
Protein context (NP_006450.2, residues 228-248): KIRFQQKVME[Lys238Ile]ETEKRISEIE

ClinVar aggregate classification (germline): Uncertain significance (1 of 4 stars; one submission).

Conditions:
Hereditary spastic paraplegia 62. Also called: Spastic paraplegia 62, autosomal recessive. Identifiers: Orphanet 401785, MedGen C4284588, MONDO:0014302, OMIM 615681.

Allele frequency attached by ClinVar (database versions not stated): ExAC 0.00001; gnomAD exomes 0.00001; TOPMed 0.00007; ESP Exome Variant Server 0.00008; gnomAD 0.00008.
gnomAD v4.1: 23 of 1,613,344 alleles (0.0014%); highest among the groups gnomAD compares: African/African-American, 0.028%; no homozygotes.

Submission:

Labcorp Genetics (formerly Invitae), Labcorp
Classification: Uncertain significance for Hereditary spastic paraplegia 62. Last evaluated: 2021-12-03. Review status: criteria provided, single submitter. Criteria: Invitae Variant Classification Sherloc (09022015). Collection method: clinical testing. Allele origin: germline.
Comment: This sequence change replaces lysine, which is basic and polar, with isoleucine, which is neutral and non-polar, at codon 238 of the ERLIN1 protein (p.Lys238Ile). This variant is present in population databases (rs374110373, gnomAD 0.01%). This variant has not been reported in the literature in individuals affected with ERLIN1-related conditions. Algorithms developed to predict the effect of missense changes on protein structure and function (SIFT, PolyPhen-2, Align-GVGD) all suggest that this variant is likely to be disruptive. In summary, the available evidence is currently insufficient to determine the role of this variant in disease. Therefore, it has been classified as a Variant of Uncertain Significance.